The following is an entry in ClinVar:

NM_000077.5(CDKN2A):c.86G>A (p.Arg29Gln)

Gene: CDKN2A (cyclin dependent kinase inhibitor 2A; minus strand). Cytogenetic location: 9p21.3.
Variant type: single nucleotide variant.
Coding change: c.86G>A on transcript NM_000077.5; coding-DNA position 86, G replaced by A.
Protein change: p.Arg29Gln; replaces arginine 29 with glutamine.
Molecular consequence: missense variant (on NM_000077.6). On other transcripts: intron variant (2).
Genome position (GRCh38, 1-based): chr9:21,974,742, C>T on the plus strand (G>A on the coding strand, the complement: CDKN2A is on the minus strand). VCF-style: chr9-21974742-C-T. GRCh37 (hg19) VCF-style: chr9-21974741-C-T.
Other names: c.86G>A, p.Arg29Gln (NM_000077.6, NM_001195132.2, NM_058197.5); c.-3-3534G>A (NM_001363763.2); c.194-3534G>A (NM_058195.4); short protein forms R29Q.
Identifiers: ClinVar variation 2127104 (VCV002127104.5), dbSNP rs1819952993, ClinGen allele CA373086588.

ClinVar aggregate classification (germline): Uncertain significance. Review status: criteria provided, multiple submitters, no conflicts (2 of 4 stars). 2 submissions from 2 submitters: Uncertain significance (2). Last evaluated 2024-12-17.

Conditions:
Familial melanoma. Also called: Hereditary melanoma; Hereditary cutaneous melanoma. Identifiers: Orphanet 618, MedGen C1512419, MONDO:0018961.
Hereditary cancer-predisposing syndrome. Also called: Neoplastic Syndromes, Hereditary; Hereditary neoplastic syndrome; Tumor predisposition; Hereditary Cancer Syndrome. Identifiers: Orphanet 140162, MedGen C0027672, MeSH D009386, MONDO:0015356.

Submissions (2):

Labcorp Genetics (formerly Invitae), Labcorp
Classification: Uncertain significance for Familial melanoma. Last evaluated: 2024-12-17. Review status: criteria provided, single submitter. Criteria: Invitae Variant Classification Sherloc (09022015). Collection method: clinical testing. Allele origin: germline.
Comment: This sequence change replaces arginine, which is basic and polar, with glutamine, which is neutral and polar, at codon 29 of the CDKN2A (p16INK4a) protein (p.Arg29Gln). This variant is not present in population databases (gnomAD no frequency). This variant has not been reported in the literature in individuals affected with CDKN2A (p16INK4a)-related conditions. ClinVar contains an entry for this variant (Variation ID: 2127104). An algorithm developed to predict the effect of missense changes on protein structure and function outputs the following: PolyPhen-2: "Benign". The glutamine amino acid residue is found in multiple mammalian species, which suggests that this missense change does not adversely affect protein function. In summary, the available evidence is currently insufficient to determine the role of this variant in disease. Therefore, it has been classified as a Variant of Uncertain Significance.

Ambry Genetics
Classification: Uncertain significance for Hereditary cancer-predisposing syndrome. Last evaluated: 2024-01-30. Review status: criteria provided, single submitter. Criteria: Ambry Variant Classification Scheme 2023. Collection method: clinical testing. Allele origin: germline.
Comment: The p.R29Q variant (also known as c.86G>A), located in coding exon 1 of the CDKN2A gene, results from a G to A substitution at nucleotide position 86. The arginine at codon 29 is replaced by glutamine, an amino acid with highly similar properties. This amino acid position is not well conserved in available vertebrate species. In addition, the in silico prediction for this alteration is inconclusive. Based on the available evidence, the clinical significance of this alteration remains unclear.